The following is an entry in ClinVar:

NM_052872.4(IL17F):c.53C>A (p.Ser18Ter)

Gene: IL17F (interleukin 17F; minus strand). Cytogenetic location: 6p12.2.
Variant type: single nucleotide variant.
Coding change: c.53C>A on transcript NM_052872.4 (MANE Select); coding-DNA position 53, C replaced by A.
Protein change: p.Ser18Ter; replaces serine 18 with a stop codon.
Molecular consequence: nonsense.
Genome position (GRCh38, 1-based): chr6:52,238,931, G>T on the plus strand (C>A on the coding strand, the complement: IL17F is on the minus strand). VCF-style: chr6-52238931-G-T. GRCh37 (hg19) VCF-style: chr6-52103729-G-T.
Other names: short protein forms S18*.
Identifiers: ClinVar variation 1488432 (VCV001488432.3), dbSNP rs145598353, ClinGen allele CA364445287.

ClinVar aggregate classification (germline): Uncertain significance (1 of 4 stars; one submission).

Conditions:
Candidiasis, familial, 6 (CANDF6). Also called: Candidiasis, familial, 6, autosomal dominant. Identifiers: Orphanet 1334, MedGen C3151405, MONDO:0013503, OMIM 613956.

Submission:

Labcorp Genetics (formerly Invitae), Labcorp
Classification: Uncertain significance for Candidiasis, familial, 6. Last evaluated: 2022-02-10. Review status: criteria provided, single submitter. Criteria: Invitae Variant Classification Sherloc (09022015). Collection method: clinical testing. Allele origin: germline.
Comment: This sequence change creates a premature translational stop signal (p.Ser18*) in the IL17F gene. It is expected to result in an absent or disrupted protein product. However, the current clinical and genetic evidence is not sufficient to establish whether loss-of-function variants in IL17F cause disease. This variant is not present in population databases (gnomAD no frequency). This variant has not been reported in the literature in individuals affected with IL17F-related conditions. Algorithms developed to predict the effect of sequence changes on RNA splicing suggest that this variant may create or strengthen a splice site. In summary, the available evidence is currently insufficient to determine the role of this variant in disease. Therefore, it has been classified as a Variant of Uncertain Significance.